The following is an entry in ClinVar:

ClinVar aggregate classification (germline): Uncertain significance (1 of 4 stars; one submission).

Conditions:
Lethal multiple pterygium syndrome (LMPS). Identifiers: Orphanet 33108, MedGen C1854678, MONDO:0009668, OMIM 253290.

gnomAD v4.1: 2 of 1,614,194 alleles (0.00012%); highest among the groups gnomAD compares: East Asian, 0.0022%; no homozygotes.

Submission:

Labcorp Genetics (formerly Invitae), Labcorp
Classification: Uncertain significance for Lethal multiple pterygium syndrome. Last evaluated: 2023-08-11. Review status: criteria provided, single submitter. Criteria: Invitae Variant Classification Sherloc (09022015). Collection method: clinical testing. Allele origin: germline.
Comment: This sequence change replaces tyrosine, which is neutral and polar, with asparagine, which is neutral and polar, at codon 494 of the CHRND protein (p.Tyr494Asn). This variant is not present in population databases (gnomAD no frequency). This variant has not been reported in the literature in individuals affected with CHRND-related conditions. An algorithm developed to predict the effect of missense changes on protein structure and function (PolyPhen-2) suggests that this variant is likely to be disruptive. In summary, the available evidence is currently insufficient to determine the role of this variant in disease. Therefore, it has been classified as a Variant of Uncertain Significance.

NM_000751.3(CHRND):c.1480T>A (p.Tyr494Asn)

Gene: CHRND (cholinergic receptor nicotinic delta subunit; plus strand). Cytogenetic location: 2q37.1.
Variant type: single nucleotide variant.
Coding change: c.1480T>A on transcript NM_000751.3 (MANE Select); coding-DNA position 1480, T replaced by A.
Protein change: p.Tyr494Asn; replaces tyrosine 494 with asparagine.
Molecular consequence: missense variant.
Genome position (GRCh38, 1-based): chr2:232,535,238, T>A. VCF-style: chr2-232535238-T-A. GRCh37 (hg19) VCF-style: chr2-233399948-T-A.
Other names: c.1435T>A, p.Tyr479Asn (NM_001256657.2); c.898T>A, p.Tyr300Asn (NM_001311195.2); c.1177T>A, p.Tyr393Asn (NM_001311196.2); short protein forms Y300N, Y479N, Y494N, Y393N.
Identifiers: ClinVar variation 2996366 (VCV002996366.3), dbSNP rs368695808, ClinGen allele CA351006105.